The following is an entry in ClinVar:

NM_000465.4(BARD1):c.2327A>G (p.Asp776Gly)

Gene: BARD1 (BRCA1 associated RING domain 1; minus strand). Cytogenetic location: 2q35.
Variant type: single nucleotide variant.
Coding change: c.2327A>G on transcript NM_000465.4 (MANE Select); coding-DNA position 2327, A replaced by G.
Protein change: p.Asp776Gly; replaces aspartic acid 776 with glycine.
Molecular consequence: missense variant. On other transcripts: non-coding transcript variant (3).
Genome position (GRCh38, 1-based): chr2:214,728,683, T>C on the plus strand (A>G on the coding strand, the complement: BARD1 is on the minus strand). VCF-style: chr2-214728683-T-C. GRCh37 (hg19) VCF-style: chr2-215593407-T-C.
Other names: c.2327A>G (NM_000465.2); c.2270A>G, p.Asp757Gly (NM_001282543.2); c.974A>G, p.Asp325Gly (NM_001282545.2); c.917A>G, p.Asp306Gly (NM_001282548.2); c.788A>G, p.Asp263Gly (NM_001282549.2); short protein forms D263G, D306G, D757G, D325G, D776G.
Identifiers: ClinVar variation 3728847 (VCV003728847.3).

ClinVar aggregate classification (germline): Uncertain significance. Review status: criteria provided, multiple submitters, no conflicts (2 of 4 stars). 2 submissions from 2 submitters: Uncertain significance (2). Last evaluated 2026-05-23.

Conditions:
Hereditary cancer-predisposing syndrome. Also called: Hereditary Cancer Syndrome; Hereditary neoplastic syndrome; Neoplastic Syndromes, Hereditary; Tumor predisposition. Identifiers: Orphanet 140162, MedGen C0027672, MeSH D009386, MONDO:0015356.
Familial cancer of breast. Also called: hereditary breast carcinoma; BREAST CANCER, FAMILIAL; Hereditary breast cancer. Identifiers: Orphanet 227535, MedGen C0346153, MONDO:0016419, OMIM 114480. Disease mechanism: loss of function.

gnomAD v4.1: 1 of 1,614,162 alleles (0.000062%); highest among the groups gnomAD compares: Non-Finnish European, 0.000085%; no homozygotes.

Submissions (2):

Ambry Genetics
Classification: Uncertain significance for Hereditary cancer-predisposing syndrome. Last evaluated: 2026-05-23. Review status: criteria provided, single submitter. Criteria: Ambry Variant Classification Scheme 2023. Collection method: clinical testing. Allele origin: germline.
Comment: The p.D776G variant (also known as c.2327A>G), located in coding exon 11 of the BARD1 gene, results from an A to G substitution at nucleotide position 2327. The aspartic acid at codon 776 is replaced by glycine, an amino acid with similar properties. This amino acid position is conserved. In addition, this alteration is predicted to be tolerated by in silico analysis. Based on the available evidence, the clinical significance of this variant remains unclear.

Labcorp Genetics (formerly Invitae), Labcorp
Classification: Uncertain significance for Familial cancer of breast. Last evaluated: 2025-01-12. Review status: criteria provided, single submitter. Criteria: Invitae Variant Classification Sherloc (09022015). Collection method: clinical testing. Allele origin: germline.
Comment: This sequence change replaces aspartic acid, which is acidic and polar, with glycine, which is neutral and non-polar, at codon 776 of the BARD1 protein (p.Asp776Gly). This variant is present in population databases (no rsID available, gnomAD 0.0009%). This variant has not been reported in the literature in individuals affected with BARD1-related conditions. An algorithm developed to predict the effect of missense changes on protein structure and function (PolyPhen-2) suggests that this variant is likely to be tolerated. In summary, the available evidence is currently insufficient to determine the role of this variant in disease. Therefore, it has been classified as a Variant of Uncertain Significance.